The following is an entry in ClinVar:

ClinVar aggregate classification (germline): Uncertain significance (1 of 4 stars; one submission).

Conditions:
Severe combined immunodeficiency due to DNA-PKcs deficiency. Also called: IMMUNODEFICIENCY 26 WITH NEUROLOGIC ABNORMALITIES; Immunodeficiency 26 with or without neurologic abnormalities. Identifiers: Orphanet 317425, MedGen C4014833, MONDO:0014423, OMIM 615966.

gnomAD v4.1: 20 of 1,613,864 alleles (0.0012%); highest among the groups gnomAD compares: Admixed American, 0.0033%; no homozygotes.

Submission:

Labcorp Genetics (formerly Invitae), Labcorp
Classification: Uncertain significance for Severe combined immunodeficiency due to DNA-PKcs deficiency. Last evaluated: 2026-01-18. Review status: criteria provided, single submitter. Criteria: Invitae Variant Classification Sherloc (09022015). Collection method: clinical testing. Allele origin: germline.
Comment: This sequence change replaces proline, which is neutral and non-polar, with threonine, which is neutral and polar, at codon 2575 of the PRKDC protein (p.Pro2575Thr). This variant is present in population databases (rs748026805, gnomAD 0.003%). This variant has not been reported in the literature in individuals affected with PRKDC-related conditions. Invitae Evidence Modeling of protein sequence and biophysical properties (such as structural, functional, and spatial information, amino acid conservation, physicochemical variation, residue mobility, and thermodynamic stability) indicates that this missense variant is not expected to disrupt PRKDC protein function with a negative predictive value of 80%. In summary, the available evidence is currently insufficient to determine the role of this variant in disease. Therefore, it has been classified as a Variant of Uncertain Significance.

NM_006904.7(PRKDC):c.7723C>A (p.Pro2575Thr)

Gene: PRKDC (protein kinase, DNA-activated, catalytic subunit; minus strand). Cytogenetic location: 8q11.21.
Variant type: single nucleotide variant.
Coding change: c.7723C>A on transcript NM_006904.7 (MANE Select); coding-DNA position 7723, C replaced by A.
Protein change: p.Pro2575Thr; replaces proline 2575 with threonine.
Molecular consequence: missense variant.
Genome position (GRCh38, 1-based): chr8:47,837,250, G>T on the plus strand (C>A on the coding strand, the complement: PRKDC is on the minus strand). VCF-style: chr8-47837250-G-T. GRCh37 (hg19) VCF-style: chr8-48749811-G-T.
Other names: c.7723C>A, p.Pro2575Thr (NM_001081640.2); short protein forms P2575T.
Identifiers: ClinVar variation 4741626 (VCV004741626.1).